The following is an entry in ClinVar:

ClinVar aggregate classification (germline): Uncertain significance. Review status: criteria provided, multiple submitters, no conflicts (2 of 4 stars). 2 submissions from 2 submitters: Uncertain significance (2). Last evaluated 2024-01-23.

Conditions:
Spinocerebellar ataxia type 15/16 (SCA15). Also called: Spinocerebellar Ataxia Type 15. Identifiers: Orphanet 98769, MedGen C1847725, MONDO:0011694, OMIM 606658.

gnomAD v4.1: 5 of 1,611,636 alleles (0.00031%); highest among the groups gnomAD compares: South Asian, 0.0044%; no homozygotes.

Submissions (2):

GeneDx
Classification: Uncertain significance. Last evaluated: 2024-01-23. Review status: criteria provided, single submitter. Criteria: GeneDx Variant Classification Process June 2021. Collection method: clinical testing. Allele origin: germline. Affected: yes.
Comment: In silico analysis supports that this missense variant does not alter protein structure/function; In silico analysis, which includes splice predictors and evolutionary conservation, suggests this variant may impact gene splicing. In the absence of RNA/functional studies, the actual effect of this sequence change is unknown.; Has not been previously published as pathogenic or benign to our knowledge

Neuberg Centre For Genomic Medicine, NCGM
Classification: Uncertain significance for Spinocerebellar ataxia type 15/16. Review status: criteria provided, single submitter. Criteria: ACMG Guidelines, 2015. Collection method: clinical testing. Allele origin: germline. Inheritance: Autosomal dominant inheritance. Affected: yes.
Comment: The observed missense variant c.5354G>C(p.Gly1785Ala) in the ITPR1 gene has not been reported previously as a pathogenic variant nor as a benign variant, to our knowledge. This variant is reported with the allele frequency 0.004% in the gnomAD Exomes. This variant has been reported to the ClinVar database as Uncertain Significance. However, no details are available for independent assessment. The amino acid Glycine at position 1785 is changed to a Alanine changing protein sequence and it might alter its composition and physico- chemical properties. Computational evidence (Polyphen - Benign, SIFT - Tolerated and MutationTaster - Disease causing) predicts conflicting evidence on protein structure and function for this variant. The residue is conserved by GERP++ and PhyloP across 100 vertebrates. For these reasons, this variant has been classified as Uncertain Significance.

NM_001378452.1(ITPR1):c.5354G>C (p.Gly1785Ala)

Gene: ITPR1 (inositol 1,4,5-trisphosphate receptor type 1; plus strand). Cytogenetic location: 3p26.1.
Variant type: single nucleotide variant.
Coding change: c.5354G>C on transcript NM_001378452.1 (MANE Select); coding-DNA position 5354, G replaced by C.
Protein change: p.Gly1785Ala; replaces glycine 1785 with alanine.
Molecular consequence: missense variant.
Genome position (GRCh38, 1-based): chr3:4,735,164, G>C. VCF-style: chr3-4735164-G-C. GRCh37 (hg19) VCF-style: chr3-4776848-G-C.
Other names: c.5210G>C, p.Gly1737Ala (NM_001099952.4); c.5309G>C, p.Gly1770Ala (NM_001168272.2); c.5165G>C, p.Gly1722Ala (NM_002222.7); short protein forms G1722A, G1737A, G1770A, G1785A.
Identifiers: ClinVar variation 1314698 (VCV001314698.6), dbSNP rs200004069, ClinGen allele CA2232320.
Genomic context (GRCh38, chr3:4,735,164, plus strand): 5'-ATGCAGCAAACATTAGCTGTTCTGATTGTGCTTAGTAAAAACAATATTCCATCTTCTTAG[G>C]GGGAGGTTCCGGATCCAGCTCTATGAGCAGGGGTGAGATGAGTCTGGCCGAGGTTCAGTG-3'
Protein context (NP_001365381.1, residues 1775-1795): AGGPGKPGGG[Gly1785Ala]GGSGSSSMSR